The following is an entry in ClinVar:

NM_001145358.2(SIN3A):c.848dup (p.His283fs)

Gene: SIN3A (SIN3 transcription regulator family member A; minus strand). Cytogenetic location: 15q24.2.
Variant type: Duplication.
Coding change: c.848dup on transcript NM_001145358.2 (MANE Select); coding-DNA position 848, one base duplicated (A; older notation c.848dupA).
Protein change: p.His283fs; shifts the reading frame from histidine 283.
Molecular consequence: frameshift variant.
Genome position (GRCh38, 1-based): chr15:75,411,652, T duplicated on the plus strand (A on the coding strand, the reverse complement: SIN3A is on the minus strand). VCF-style (leftmost placement, unchanged base first): chr15-75411651-G-GT. GRCh37 (hg19) VCF-style: chr15-75703992-G-GT.
Other names: 1-BP DUP, NT848; c.848dup (NM_001145357.1); c.848dup, p.His283fs (NM_001145357.2, NM_015477.3); c.848dupA (NM_001145357.1); short protein forms H283fs.
Identifiers: ClinVar variation 560386 (VCV000560386.4), dbSNP rs1567368243, ClinGen allele CA913190671.

ClinVar aggregate classification (germline): Pathogenic. Review status: criteria provided, single submitter (1 of 4 stars). 2 submissions from 2 submitters: Pathogenic (1). 1 of the submissions does not count toward it. Last evaluated 2017-05-24.

Conditions:
SIN3A-related intellectual disability syndrome due to a point mutation. Also called: WITTEVEEN-KOLK SYNDROME; 15q24 Microdeletion Syndrome. Identifiers: Orphanet 500166, Orphanet 94065, MedGen C4310804, MONDO:0044700, OMIM 613406.

Submissions (2):

Research Institute, National Research Institute for Child Health and Development
Classification: Pathogenic for SIN3A-related intellectual disability syndrome due to a point mutation. Last evaluated: 2017-05-24. Review status: criteria provided, single submitter. Criteria: ACMG Guidelines, 2015. Collection method: research. Allele origin: de novo. Inheritance: Autosomal dominant inheritance. Affected: yes. Observed: 1 heterozygote.
Comment: Heterozygous frameshift or nonsense variants in SIN3A has been reported in 9 patients harboring five variants with Wittveen-Kolk syndrome (Wittveen et al., 2016). The functional studies in mice indicated that functional knockdown of Sin3a effects correct cortical expansion (Wittveen et al., 2016). p.H283Qfs is a frameshift variant and not harbored by either parent or registered in the following databases: Clinvar, dbSNP, 1000 Genomes Project database, Human Genetic Variation Database, Integrative Japanese Genome Variation Database, and Exome Aggregation Consortium. In summary, H283Qfs variant meets ACMG criteria to be classified as pathogenic based on predicted null variant in a gene where LOF is a known mechanism of disease, absence from controls, de novo.

OMIM
Classification: Pathogenic for WITTEVEEN-KOLK SYNDROME. Last evaluated: 2022-07-15. Review status: no assertion criteria provided. Collection method: literature only. Allele origin: germline. Not counted in ClinVar's aggregate classification.

Literature cited by the submitters: PubMed 30267900 (cited by Research Institute, National Research Institute for Child Health and Development and OMIM).